The following is an entry in ClinVar:

NM_012200.4(B3GAT3):c.823G>A (p.Ala275Thr)

Gene: B3GAT3 (beta-1,3-glucuronyltransferase 3; minus strand). Cytogenetic location: 11q12.3.
Variant type: single nucleotide variant.
Coding change: c.823G>A on transcript NM_012200.4 (MANE Select); coding-DNA position 823, G replaced by A.
Protein change: p.Ala275Thr; replaces alanine 275 with threonine.
Molecular consequence: missense variant. On other transcripts: non-coding transcript variant (1).
Genome position (GRCh38, 1-based): chr11:62,616,592, C>T on the plus strand (G>A on the coding strand, the complement: B3GAT3 is on the minus strand). VCF-style: chr11-62616592-C-T. GRCh37 (hg19) VCF-style: chr11-62384064-C-T.
Other names: c.802G>A, p.Ala268Thr (NM_001288721.2); c.823G>A, p.Ala275Thr (NM_001288722.2, NM_001288723.2); short protein forms A268T, A275T.
Identifiers: ClinVar variation 1949400 (VCV001949400.2), dbSNP rs2496236086, ClinGen allele CA380975322.

ClinVar aggregate classification (germline): Uncertain significance (1 of 4 stars; one submission).

Conditions:
Larsen-like syndrome, B3GAT3 type. Also called: Multiple joint dislocations, short stature, craniofacial dysmorphism, with or without congenital heart defects; MULTIPLE JOINT DISLOCATIONS, SHORT STATURE, AND CRANIOFACIAL DYSMORPHISM WITH OR WITHOUT CONGENITAL HEART DEFECTS. Identifiers: Orphanet 284139, MedGen CN034159, MONDO:0009511, OMIM 245600.

Allele frequency attached by ClinVar (database versions not stated): gnomAD exomes below 0.00001.
gnomAD v4.1: 3 of 1,614,230 alleles (0.00019%); highest among the groups gnomAD compares: Middle Eastern, 0.016%; no homozygotes.

Submission:

Labcorp Genetics (formerly Invitae), Labcorp
Classification: Uncertain significance for Larsen-like syndrome, B3GAT3 type. Last evaluated: 2022-04-15. Review status: criteria provided, single submitter. Criteria: Invitae Variant Classification Sherloc (09022015). Collection method: clinical testing. Allele origin: germline.
Comment: This sequence change replaces alanine, which is neutral and non-polar, with threonine, which is neutral and polar, at codon 275 of the B3GAT3 protein (p.Ala275Thr). This variant is not present in population databases (gnomAD no frequency). This variant has not been reported in the literature in individuals affected with B3GAT3-related conditions. Algorithms developed to predict the effect of missense changes on protein structure and function (SIFT, PolyPhen-2, Align-GVGD) all suggest that this variant is likely to be tolerated. In summary, the available evidence is currently insufficient to determine the role of this variant in disease. Therefore, it has been classified as a Variant of Uncertain Significance.